The following is an entry in ClinVar:

ClinVar aggregate classification (germline): Uncertain significance (1 of 4 stars; one submission).

Conditions:
Familial adenomatous polyposis 1 (FAP1). Also called: FAMILIAL ADENOMATOUS POLYPOSIS 1, ATTENUATED; POLYPOSIS, ADENOMATOUS INTESTINAL. Identifiers: MedGen C2713442, MONDO:0021056, OMIM 175100. Disease mechanism: loss of function.

Allele frequency attached by ClinVar (database versions not stated): TOPMed 0.00002; gnomAD exomes 0.00002.

Submission:

Labcorp Genetics (formerly Invitae), Labcorp
Classification: Uncertain significance for Familial adenomatous polyposis 1. Last evaluated: 2025-12-30. Review status: criteria provided, single submitter. Criteria: Invitae Variant Classification Sherloc (09022015). Collection method: clinical testing. Allele origin: germline.
Comment: This variant occurs in a non-coding region of the APC gene. It does not change the encoded amino acid sequence of the APC protein. This variant is not present in population databases (gnomAD no frequency). This variant has not been reported in the literature in individuals affected with APC-related conditions. ClinVar contains an entry for this variant (Variation ID: 537611). Experimental studies and prediction algorithms are not available or were not evaluated, and the functional significance of this variant is currently unknown. In summary, the available evidence is currently insufficient to determine the role of this variant in disease. Therefore, it has been classified as a Variant of Uncertain Significance.

NC_000005.10:g.112707404T>C

Gene: APC (APC regulator of Wnt signaling pathway; plus strand). Cytogenetic location: 5q22.2.
Variant type: single nucleotide variant.
Genome position: GRCh38 VCF-style: chr5-112707404-T-C. GRCh37 (hg19) VCF-style: chr5-112043101-T-C.
Identifiers: ClinVar variation 537611 (VCV000537611.12), dbSNP rs1248905809, ClinGen allele CA658796592.